The following is an entry in ClinVar:

NM_024675.4(PALB2):c.2146_2148del (p.Asn716del)

Gene: PALB2 (partner and localizer of BRCA2; minus strand). Cytogenetic location: 16p12.2.
Variant type: Deletion.
Coding change: c.2146_2148del on transcript NM_024675.4 (MANE Select); coding-DNA positions 2146 to 2148, 3 bases deleted (AAT; older notation c.2146_2148delAAT).
Protein change: p.Asn716del; deletes asparagine 716.
Molecular consequence: inframe deletion.
Genome position (GRCh38, 1-based): chr16:23,630,006-23,630,008, ATT deleted on the plus strand (AAT on the coding strand, the reverse complement: PALB2 is on the minus strand); deleting any 3 consecutive bases within chr16:23,630,006-23,630,010 gives the same sequence; the c. name uses the placement nearest the transcript's 3' end. VCF-style (leftmost placement, unchanged base first): chr16-23630005-CATT-C. GRCh37 (hg19) VCF-style: chr16-23641326-CATT-C.
Other names: short protein forms N716del.
Identifiers: ClinVar variation 820783 (VCV000820783.4), dbSNP rs1567217973, ClinGen allele CA621661725.
Genomic context (GRCh38, chr16:23,630,005, plus strand): 5'-AGGCTGGAGTAGTACCTAAGATGGGGAAAGCAGGTGAACACATGTCTGTGGTAGGCCTGT[CATT>C]ATCATCAGGCGCAACCGTATTTAAAGGAGTATAAAGTAATATGGATGAAGAAAGGCCCGT-3'

ClinVar aggregate classification (germline): Uncertain significance (1 of 4 stars; one submission).

Conditions:
Hereditary cancer-predisposing syndrome. Also called: Neoplastic Syndromes, Hereditary; Tumor predisposition; Hereditary Cancer Syndrome; Hereditary neoplastic syndrome. Identifiers: Orphanet 140162, MedGen C0027672, MeSH D009386, MONDO:0015356.

Submission:

Ambry Genetics
Classification: Uncertain significance for Hereditary cancer-predisposing syndrome. Last evaluated: 2019-10-23. Review status: criteria provided, single submitter. Criteria: Ambry Variant Classification Scheme 2023. Collection method: clinical testing. Allele origin: germline.
Comment: The c.2146_2148delAAT variant (also known as p.N716del) is located in coding exon 5 of the PALB2 gene. This variant results from an in-frame AAT deletion at nucleotide positions 2146 to 2148. This results in the in-frame deletion of an asparagine at codon 716. This amino acid position is not well conserved in available vertebrate species. In addition, this alteration is predicted to be deleterious by in silico analysis (Choi Y et al. PLoS ONE. 2012; 7(10):e46688). Since supporting evidence is limited at this time, the clinical significance of this alteration remains unclear.